The following is an entry in ClinVar:

ClinVar aggregate classification (germline): Benign. Review status: criteria provided, multiple submitters, no conflicts (2 of 4 stars). 3 submissions from 2 submitters: Benign (3). Last evaluated 2018-01-13.

Conditions:
Sacral defect with anterior meningocele. Identifiers: MedGen C1838568, OMIM 600145.
Neural tube defect (NTD). Also called: Neural tube defects. Identifiers: Orphanet 3388, Orphanet 823, MedGen C0027794, MONDO:0018075, HP:0045005.

Allele frequency attached by ClinVar (database versions not stated): gnomAD exomes 0.22858; gnomAD 0.25321 and 0.25369; TOPMed 0.25890; 1000 Genomes Project 30x 0.26827; 1000 Genomes Project 0.27037.
gnomAD v4.1: 45,562 of 181,998 alleles (25%); highest among the groups gnomAD compares: Admixed American, 28%; 5,847 homozygotes.

Submissions (3):

Illumina Laboratory Services, Illumina
Classification: Benign for Neural tube defects, susceptibility to. Last evaluated: 2018-01-13. Review status: criteria provided, single submitter. Criteria: ICSL Variant Classification Criteria 13 December 2019. Collection method: clinical testing. Allele origin: germline.
Comment: This variant was observed in the ICSL laboratory as part of a predisposition screen in an ostensibly healthy population. It had not been previously curated by ICSL or reported in the Human Gene Mutation Database (HGMD: prior to June 1st, 2018), and was therefore a candidate for classification through an automated scoring system. Utilizing variant allele frequency, disease prevalence and penetrance estimates, and inheritance mode, an automated score was calculated to assess if this variant is too frequent to cause the disease. Based on the score and internal cut-off values, a variant classified as benign is not then subjected to further curation. The score for this variant resulted in a classification of benign for this disease.

Illumina Laboratory Services, Illumina
Classification: Benign for Sacral defect with anterior meningocele. Last evaluated: 2018-01-13. Review status: criteria provided, single submitter. Criteria: ICSL Variant Classification Criteria 13 December 2019. Collection method: clinical testing. Allele origin: germline.
Comment: the same text as in the submission from Illumina Laboratory Services, Illumina above.

Breakthrough Genomics
Classification: Benign. Review status: criteria provided, single submitter. Criteria: ACMG Guidelines, 2015. Collection method: not provided. Allele origin: germline. Inheritance: Autosomal dominant inheritance. Affected: yes.

NM_138959.3(VANGL1):c.*416G>A

Gene: VANGL1 (VANGL planar cell polarity protein 1; plus strand). Cytogenetic location: 1p13.1.
Variant type: single nucleotide variant.
Coding change: c.*416G>A on transcript NM_138959.3 (MANE Select); 416 bases downstream of the stop codon, G replaced by A.
Molecular consequence: 3 prime UTR variant.
Genome position (GRCh38, 1-based): chr1:115,691,795, G>A. VCF-style: chr1-115691795-G-A. GRCh37 (hg19) VCF-style: chr1-116234416-G-A.
Other names: c.*416G>A (NM_001172411.2, NM_001172412.2).
Identifiers: ClinVar variation 292023 (VCV000292023.6), dbSNP rs3811011, ClinGen allele CA10607637.